The following is an entry in ClinVar:

ClinVar aggregate classification (germline): Pathogenic/Likely pathogenic. Review status: criteria provided, multiple submitters, no conflicts (2 of 4 stars). 2 submissions from 2 submitters: Pathogenic (1); Likely pathogenic (1). Last evaluated 2023-06-16.

Conditions:
DSP-related disorder. Also called: DSP-related condition; DSP-related disorders.
Arrhythmogenic right ventricular dysplasia 8 (ARVD8). Also called: Arrhythmogenic Right Ventricular Dysplasia/Cardiomyopathy 8; ARRHYTHMOGENIC RIGHT VENTRICULAR DYSPLASIA, FAMILIAL, 8; ARRHYTHMOGENIC RIGHT VENTRICULAR CARDIOMYOPATHY 8. Identifiers: MedGen C1843896, MONDO:0011831, OMIM 607450.
Lethal acantholytic epidermolysis bullosa (EBLA). Identifiers: Orphanet 158687, MedGen C1864826, MONDO:0012323, OMIM 609638.
Keratosis palmoplantaris striata 2. Also called: KERATODERMA, PALMOPLANTAR, STRIATE FORM II; STRIATE PALMOPLANTAR KERATODERMA II; Keratosis palmoplantaris striata II. Identifiers: MedGen C1852127, MONDO:0013034, OMIM 612908.
Cardiomyopathy, dilated, with wooly hair, keratoderma, and tooth agenesis. Also called: Erythrokeratodermia-cardiomyopathy syndrome; Cardiomyopathy, dilated, with woolly hair, keratoderma, and tooth agenesis. Identifiers: Orphanet 476096, Orphanet 65282, MedGen C4014393, MONDO:0014355, OMIM 615821.
Arrhythmogenic cardiomyopathy with wooly hair and keratoderma. Also called: Carvajal syndrome; Dilated cardiomyopathy with woolly hair and keratoderma; PALMOPLANTAR KERATODERMA WITH LEFT VENTRICULAR CARDIOMYOPATHY AND WOOLLY HAIR; Arrhythmogenic cardiomyopathy with woolly hair and keratoderma. Identifiers: Orphanet 65282, MedGen C1854063, MONDO:0011581, OMIM 605676.

Submissions (2):

Blueprint Genetics
Classification: Pathogenic for DSP-related disorders. Last evaluated: 2023-06-16. Review status: criteria provided, single submitter. Criteria: ACMG Guidelines, 2015. Collection method: clinical testing. Allele origin: germline. Affected: yes. Observed: 5 variant alleles.

Juno Genomics, Hangzhou Juno Genomics, Inc
Classification: Likely pathogenic for Arrhythmogenic right ventricular dysplasia 8; Arrhythmogenic cardiomyopathy with wooly hair and keratoderma; Cardiomyopathy, dilated, with wooly hair, keratoderma, and tooth agenesis; Lethal acantholytic epidermolysis bullosa; Keratosis palmoplantaris striata 2. Review status: criteria provided, single submitter. Criteria: ACMG Guidelines, 2015. Collection method: clinical testing. Allele origin: germline.
Comment: Absent from controls (or at extremely low frequency if recessive) in Genome Aggregation Database.;Null variant in a gene where loss of function (LOF) is a known mechanism of disease.

NM_004415.4(DSP):c.4954del (p.Glu1652fs)

Gene: DSP (desmoplakin; plus strand). Cytogenetic location: 6p24.3.
Variant type: Deletion.
Coding change: c.4954del on transcript NM_004415.4 (MANE Select); coding-DNA position 4954, one base deleted (G; older notation c.4954delG).
Protein change: p.Glu1652fs; shifts the reading frame from glutamic acid 1652.
Molecular consequence: frameshift variant. On other transcripts: intron variant (2).
Genome position (GRCh38, 1-based): chr6:7,581,144, G deleted; the last of 2 consecutive G bases (chr6:7,581,143-7,581,144); deleting either gives the same sequence. VCF-style (leftmost placement, unchanged base first): chr6-7581142-AG-A. GRCh37 (hg19) VCF-style: chr6-7581375-AG-A.
Other names: c.4050+904del (NM_001319034.2); c.3582+1372del (NM_001008844.3); short protein forms E1652fs.
Identifiers: ClinVar variation 636850 (VCV000636850.5), dbSNP rs1581818649, ClinGen allele CA915944143.